The following is an entry in ClinVar:

NM_001264.5(CDSN):c.30dup (p.Arg11fs)

Genes: CDSN (corneodesmosin; minus strand), PSORS1C1 (psoriasis susceptibility 1 candidate 1; plus strand). Cytogenetic location: 6p21.33.
Variant type: Duplication.
Coding change: c.30dup on transcript NM_001264.5 (MANE Select); coding-DNA position 30, one base duplicated (G; older notation c.30dupG).
Protein change: p.Arg11fs; shifts the reading frame from arginine 11.
Molecular consequence: frameshift variant. On other transcripts: intron variant (1).
Genome position (GRCh38, 1-based): chr6:31,120,390, C duplicated on the plus strand (G on the coding strand, the reverse complement: CDSN is on the minus strand); the first of 4 consecutive C bases (chr6:31,120,390-31,120,393); duplicating any one gives the same sequence. VCF-style (leftmost placement, unchanged base first): chr6-31120389-G-GC. GRCh37 (hg19) VCF-style: chr6-31088166-G-GC.
Other names: c.-228-5283dup (NM_014068.3); short protein forms R11fs.
Identifiers: ClinVar variation 3393421 (VCV003393421.1).
Genomic context (GRCh38, chr6:31,120,389, plus strand): 5'-TCCTACCTGGCAGGAGGAGACCAGCCAGCAGCAGTGCCATCATCCCGTGCCCACCCACAC[G>GC]CCCCATCCAGGGTGCCCGAGACGAGCCCATCTCGGACTGCACGGCCTCCTGACTGATGGC-3'

ClinVar aggregate classification (germline): Likely pathogenic (1 of 4 stars; one submission).

Conditions:
Peeling skin syndrome 1 (PSS1). Also called: KERATOLYSIS EXFOLIATIVA CONGENITA; SKIN PEELING, FAMILIAL CONTINUOUS GENERALIZED; Peeling skin syndrome type B. Identifiers: Orphanet 263543, Orphanet 263553, MedGen C5679693, MONDO:0024548, OMIM 270300.

Submission:

Neuberg Centre For Genomic Medicine, NCGM
Classification: Likely pathogenic for Peeling skin syndrome 1. Review status: criteria provided, single submitter. Criteria: ACMG Guidelines, 2015. Collection method: clinical testing. Allele origin: germline. Inheritance: Autosomal recessive inheritance. Affected: yes.
Comment: The observed frameshift c.30dupp.Arg11AlafsTer23 variant in CDSN gene has not been reported previously as a pathogenic variant nor as a benign variant, to our knowledge. This variant is absent in gnomAD Exomes. This variant causes a frameshift starting with codon Arginine 11, changes this amino acid to Alanine residue, and creates a premature Stop codon at position 23 of the new reading frame, denoted p.Arg11AlafsTer23. This variant is predicted to cause loss of normal protein function through protein truncation. Loss of function variants have been previously reported to be disease causing. For these reasons, this variant has been classified as Likely Pathogenic.